The following is an entry in ClinVar:

NM_006218.4(PIK3CA):c.697T>G (p.Leu233Val)

Gene: PIK3CA (phosphatidylinositol-4,5-bisphosphate 3-kinase catalytic subunit alpha; plus strand). Cytogenetic location: 3q26.32.
Variant type: single nucleotide variant.
Coding change: c.697T>G on transcript NM_006218.4 (MANE Select); coding-DNA position 697, T replaced by G.
Protein change: p.Leu233Val; replaces leucine 233 with valine.
Molecular consequence: missense variant.
Genome position (GRCh38, 1-based): chr3:179,201,424, T>G. VCF-style: chr3-179201424-T-G. GRCh37 (hg19) VCF-style: chr3-178919212-T-G.
Other names: short protein forms L233V.
Identifiers: ClinVar variation 3252684 (VCV003252684.1), dbSNP rs756008565.

ClinVar aggregate classification (germline): Uncertain significance (1 of 4 stars; one submission).

Submission:

GeneDx
Classification: Uncertain significance. Last evaluated: 2023-12-20. Review status: criteria provided, single submitter. Criteria: GeneDx Variant Classification Process June 2021. Collection method: clinical testing. Allele origin: germline. Affected: yes.
Comment: Not observed at significant frequency in large population cohorts (gnomAD); In silico analysis supports that this missense variant does not alter protein structure/function; Has not been previously published as pathogenic or benign to our knowledge